The following is an entry in ClinVar:

ClinVar aggregate classification (germline): Uncertain significance. Review status: criteria provided, multiple submitters, no conflicts (2 of 4 stars). 3 submissions from 3 submitters: Uncertain significance (3). Last evaluated 2025-11-25.

Conditions:
Hereditary cancer-predisposing syndrome. Also called: Tumor predisposition; Hereditary neoplastic syndrome; Neoplastic Syndromes, Hereditary; Hereditary Cancer Syndrome. Identifiers: Orphanet 140162, MedGen C0027672, MeSH D009386, MONDO:0015356.

Allele frequency attached by ClinVar (database versions not stated): gnomAD exomes below 0.00001; TOPMed 0.00001; gnomAD 0.00003.
gnomAD v4.1: 5 of 1,611,270 alleles (0.00031%); highest among the groups gnomAD compares: African/African-American, 0.004%; no homozygotes.

Submissions (3):

Labcorp Genetics (formerly Invitae), Labcorp
Classification: Uncertain significance. Last evaluated: 2025-11-25. Review status: criteria provided, single submitter. Criteria: Invitae Variant Classification Sherloc (09022015). Collection method: clinical testing. Allele origin: germline.
Comment: This sequence change replaces isoleucine, which is neutral and non-polar, with valine, which is neutral and non-polar, at codon 484 of the POLE protein (p.Ile484Val). This variant is present in population databases (no rsID available, gnomAD 0.004%). This variant has not been reported in the literature in individuals affected with POLE-related conditions. ClinVar contains an entry for this variant (Variation ID: 819251). Invitae Evidence Modeling of protein sequence and biophysical properties (such as structural, functional, and spatial information, amino acid conservation, physicochemical variation, residue mobility, and thermodynamic stability) indicates that this missense variant is not expected to disrupt POLE protein function with a negative predictive value of 80%. In summary, the available evidence is currently insufficient to determine the role of this variant in disease. Therefore, it has been classified as a Variant of Uncertain Significance.

Ambry Genetics
Classification: Uncertain significance for Hereditary cancer-predisposing syndrome. Last evaluated: 2025-03-10. Review status: criteria provided, single submitter. Criteria: Ambry Variant Classification Scheme 2023. Collection method: clinical testing. Allele origin: germline.
Comment: The p.I484V variant (also known as c.1450A>G), located in coding exon 14 of the POLE gene, results from an A to G substitution at nucleotide position 1450. The isoleucine at codon 484 is replaced by valine, an amino acid with highly similar properties. This amino acid position is highly conserved in available vertebrate species. In addition, this alteration is predicted to be tolerated by in silico analysis. Based on the available evidence, the clinical significance of this variant remains unclear.

GeneDx
Classification: Uncertain significance. Last evaluated: 2020-09-17. Review status: criteria provided, single submitter. Criteria: GeneDx Variant Classification Process June 2021. Collection method: clinical testing. Allele origin: germline. Affected: yes.
Comment: Not observed at a significant frequency in large population cohorts (Lek 2016); In silico analysis supports that this missense variant does not alter protein structure/function; Has not been previously published as pathogenic or benign to our knowledge

NM_006231.4(POLE):c.1450A>G (p.Ile484Val)

Gene: POLE (DNA polymerase epsilon, catalytic subunit; minus strand). Cytogenetic location: 12q24.33.
Variant type: single nucleotide variant.
Coding change: c.1450A>G on transcript NM_006231.4 (MANE Select); coding-DNA position 1450, A replaced by G.
Protein change: p.Ile484Val; replaces isoleucine 484 with valine.
Molecular consequence: missense variant.
Genome position (GRCh38, 1-based): chr12:132,673,187, T>C on the plus strand (A>G on the coding strand, the complement: POLE is on the minus strand). VCF-style: chr12-132673187-T-C. GRCh37 (hg19) VCF-style: chr12-133249773-T-C.
Other names: short protein forms I484V.
Identifiers: ClinVar variation 819251 (VCV000819251.12), dbSNP rs1027889796, ClinGen allele CA246294102.